The following is an entry in ClinVar:

ClinVar aggregate classification (germline): Uncertain significance (1 of 4 stars; one submission).

Conditions:
Holoprosencephaly 11 (HPE11). Identifiers: Orphanet 2162, MedGen C3280215, MONDO:0013642, OMIM 614226.

Allele frequency attached by ClinVar (database versions not stated): TOPMed 0.00007; gnomAD 0.00011; ExAC 0.00012; gnomAD exomes 0.00013 and 0.00015.
gnomAD v4.1: 200 of 1,614,038 alleles (0.012%); highest among the groups gnomAD compares: Non-Finnish European, 0.012%; no homozygotes.

Submission:

Labcorp Genetics (formerly Invitae), Labcorp
Classification: Uncertain significance for Holoprosencephaly 11. Last evaluated: 2025-09-17. Review status: criteria provided, single submitter. Criteria: Invitae Variant Classification Sherloc (09022015). Collection method: clinical testing. Allele origin: germline.
Comment: This sequence change replaces serine, which is neutral and polar, with asparagine, which is neutral and polar, at codon 102 of the CDON protein (p.Ser102Asn). This variant is present in population databases (rs752178829, gnomAD 0.07%). This variant has not been reported in the literature in individuals affected with CDON-related conditions. ClinVar contains an entry for this variant (Variation ID: 1422910). An algorithm developed to predict the effect of missense changes on protein structure and function (PolyPhen-2) suggests that this variant is likely to be disruptive. In summary, the available evidence is currently insufficient to determine the role of this variant in disease. Therefore, it has been classified as a Variant of Uncertain Significance.

NM_001378964.1(CDON):c.305G>A (p.Ser102Asn)

Gene: CDON (cell adhesion associated, oncogene regulated; minus strand). Cytogenetic location: 11q24.2.
Variant type: single nucleotide variant.
Coding change: c.305G>A on transcript NM_001378964.1 (MANE Select); coding-DNA position 305, G replaced by A.
Protein change: p.Ser102Asn; replaces serine 102 with asparagine.
Molecular consequence: missense variant.
Genome position (GRCh38, 1-based): chr11:126,021,292, C>T on the plus strand (G>A on the coding strand, the complement: CDON is on the minus strand). VCF-style: chr11-126021292-C-T. GRCh37 (hg19) VCF-style: chr11-125891187-C-T.
Other names: c.305G>A, p.Ser102Asn (NM_001243597.3, NM_016952.6); short protein forms S102N.
Identifiers: ClinVar variation 1422910 (VCV001422910.6), dbSNP rs752178829, ClinGen allele CA6352376.
Genomic context (GRCh38, chr11:126,021,292, plus strand): 5'-ACAAAATTAAACTCACCTGCCACAGATACTGTCGCAGGGCCACTCACAATGGCACCGATG[C>T]TATTGTTGGCAAGGCACTGGTAGTAACCCAAAAGAGAGGAGTTGAGAGAAAGAATTGTCA-3'
Protein context (NP_001365893.1, residues 92-112): LGYYQCLANN[Ser102Asn]IGAIVSGPAT